The following is an entry in ClinVar:

ClinVar aggregate classification (germline): Benign/Likely benign. Review status: criteria provided, multiple submitters, no conflicts (2 of 4 stars). 3 submissions from 3 submitters: Benign (1); Likely benign (1). 1 of the submissions does not count toward it. Last evaluated 2025-03-04.

Conditions:
DICER1-related disorder. Also called: DICER1-related condition.
DICER1-related tumor predisposition. Also called: DICER1-related pleuropulmonary blastoma cancer predisposition syndrome; DICER1 syndrome. Identifiers: Orphanet 284343, MedGen C3839822, MONDO:0100216.

Allele frequency attached by ClinVar (database versions not stated): gnomAD 0.00004 and 0.00005; gnomAD exomes 0.00010 and 0.00026; ExAC 0.00043.

Submissions (3):

Center for Genomic Medicine, Rigshospitalet, Copenhagen University Hospital
Classification: Likely benign. Last evaluated: 2025-03-04. Review status: criteria provided, single submitter. Criteria: ACMG Guidelines, 2015. Collection method: clinical testing. Allele origin: germline.

Labcorp Genetics (formerly Invitae), Labcorp
Classification: Benign for DICER1-related tumor predisposition. Last evaluated: 2024-04-11. Review status: criteria provided, single submitter. Criteria: Invitae Variant Classification Sherloc (09022015). Collection method: clinical testing. Allele origin: germline.

PreventionGenetics, part of Exact Sciences
Classification: Likely benign for DICER1-related condition. Last evaluated: 2022-04-13. Review status: no assertion criteria provided. Collection method: clinical testing. Allele origin: germline. Not counted in ClinVar's aggregate classification.
Comment: This variant is classified as likely benign based on ACMG/AMP sequence variant interpretation guidelines (Richards et al. 2015 PMID: 25741868, with internal and published modifications).

NM_177438.3(DICER1):c.4206+9_4206+23del

Gene: DICER1 (dicer 1, ribonuclease III; minus strand). Cytogenetic location: 14q32.13.
Variant type: Deletion.
Coding change: c.4206+9_4206+23del on transcript NM_177438.3 (MANE Select); bases 9 to 23 of the intron after coding-DNA position 4206, 15 bases deleted (GTGTGTGTGTGTGTG).
Molecular consequence: intron variant.
Genome position (GRCh38, 1-based): chr14:95,099,757-95,099,771, CACACACACACACAC deleted on the plus strand (GTGTGTGTGTGTGTG on the coding strand, the reverse complement: DICER1 is on the minus strand). VCF-style (leftmost placement, unchanged base first): chr14-95099756-ACACACACACACACAC-A. GRCh37 (hg19) VCF-style: chr14-95566093-ACACACACACACACAC-A.
Other names: c.4206+9_4206+23delGTGTGTGTGTGTGTG (NM_177438.2, NM_177438.3); c.4206+9_4206+23del15 (NM_030621.4); c.4206+9_4206+23del (NM_001291628.2, NM_030621.4, NM_001271282.3 and 1 more transcripts).
Identifiers: ClinVar variation 543700 (VCV000543700.16), dbSNP rs766236360, ClinGen allele CA7330900.
Genomic context (GRCh38, chr14:95,099,756, plus strand): 5'-ATTATTTGGCTCACCGAAAAGTAAATCCCTCCAGTTACACACACACACACACACACACAC[ACACACACACACACAC>A]AAACTTACCATTTCATCTTTTTCCCATTTATCTGTGTTGCTTTTGTCTTGATTTACTACA-3'